The following is an entry in ClinVar:

NM_004281.4(BAG3):c.1144G>A (p.Ala382Thr)

Gene: BAG3 (BAG cochaperone 3; plus strand). Cytogenetic location: 10q26.11.
Variant type: single nucleotide variant.
Coding change: c.1144G>A on transcript NM_004281.4 (MANE Select); coding-DNA position 1144, G replaced by A.
Protein change: p.Ala382Thr; replaces alanine 382 with threonine.
Molecular consequence: missense variant.
Genome position (GRCh38, 1-based): chr10:119,676,698, G>A. VCF-style: chr10-119676698-G-A. GRCh37 (hg19) VCF-style: chr10-121436210-G-A.
Other names: short protein forms A382T.
Identifiers: ClinVar variation 4787450 (VCV004787450.1).

ClinVar aggregate classification (germline): Uncertain significance (1 of 4 stars; one submission).

Conditions:
Myofibrillar myopathy 6. Identifiers: Orphanet 199340, MedGen C2751831, MONDO:0013061, OMIM 612954.
Dilated cardiomyopathy 1HH (CMD1HH). Identifiers: Orphanet 154, MedGen C3151293, MONDO:0013479, OMIM 613881.

Submission:

Labcorp Genetics (formerly Invitae), Labcorp
Classification: Uncertain significance for Dilated cardiomyopathy 1HH; Myofibrillar myopathy 6. Last evaluated: 2025-04-11. Review status: criteria provided, single submitter. Criteria: Invitae Variant Classification Sherloc (09022015). Collection method: clinical testing. Allele origin: germline.
Comment: This sequence change replaces alanine, which is neutral and non-polar, with threonine, which is neutral and polar, at codon 382 of the BAG3 protein (p.Ala382Thr). This variant is not present in population databases (gnomAD no frequency). This variant has not been reported in the literature in individuals affected with BAG3-related conditions. Invitae Evidence Modeling of protein sequence and biophysical properties (such as structural, functional, and spatial information, amino acid conservation, physicochemical variation, residue mobility, and thermodynamic stability) indicates that this missense variant is not expected to disrupt BAG3 protein function with a negative predictive value of 80%. In summary, the available evidence is currently insufficient to determine the role of this variant in disease. Therefore, it has been classified as a Variant of Uncertain Significance.